The following is an entry in ClinVar:

NM_001042492.3(NF1):c.5569A>G (p.Ile1857Val)

Gene: NF1 (neurofibromin 1; plus strand). Cytogenetic location: 17q11.2.
Variant type: single nucleotide variant.
Coding change: c.5569A>G on transcript NM_001042492.3 (MANE Select); coding-DNA position 5569, A replaced by G.
Protein change: p.Ile1857Val; replaces isoleucine 1857 with valine.
Molecular consequence: missense variant.
Genome position (GRCh38, 1-based): chr17:31,327,799, A>G. VCF-style: chr17-31327799-A-G. GRCh37 (hg19) VCF-style: chr17-29654817-A-G.
Other names: c.5506A>G, p.Ile1836Val (NM_000267.4); short protein forms I1857V, I1836V.
Identifiers: ClinVar variation 2887187 (VCV002887187.3), dbSNP rs2151541815, ClinGen allele CA399009961.
Genomic context (GRCh38, chr17:31,327,799, plus strand): 5'-GACTCTATCCCCCAACACACCAAGATTCGGCCAAAAGATGTCCCTGGGACACTGCTCAAT[A>G]TCGCATTACTTAATTTAGGCAGTTCTGACCCGAGTTTACGGTAGGTTTTTTAAAATTCTC-3'
Protein context (NP_001035957.1, residues 1847-1867): PKDVPGTLLN[Ile1857Val]ALLNLGSSDP

ClinVar aggregate classification (germline): Uncertain significance (1 of 4 stars; one submission).

Conditions:
Neurofibromatosis, type 1 (NF1). Also called: Neurofibromatosis, type I; VON RECKLINGHAUSEN DISEASE; Peripheral type neurofibromatosis; NEUROFIBROMATOSIS, TYPE I, SOMATIC. Identifiers: Orphanet 636, MedGen C0027831, MONDO:0018975, OMIM 162200. Disease mechanism: loss of function.

Submission:

Labcorp Genetics (formerly Invitae), Labcorp
Classification: Uncertain significance for Neurofibromatosis, type 1. Last evaluated: 2026-01-28. Review status: criteria provided, single submitter. Criteria: Invitae Variant Classification Sherloc (09022015). Collection method: clinical testing. Allele origin: germline.
Comment: This sequence change replaces isoleucine, which is neutral and non-polar, with valine, which is neutral and non-polar, at codon 1836 of the NF1 protein (p.Ile1836Val). This variant is not present in population databases (gnomAD no frequency). This variant has not been reported in the literature in individuals affected with NF1-related conditions. ClinVar contains an entry for this variant (Variation ID: 2887187). Invitae Evidence Modeling of protein sequence and biophysical properties (such as structural, functional, and spatial information, amino acid conservation, physicochemical variation, residue mobility, and thermodynamic stability) indicates that this missense variant is not expected to disrupt NF1 protein function with a negative predictive value of 95%. In summary, the available evidence is currently insufficient to determine the role of this variant in disease. Therefore, it has been classified as a Variant of Uncertain Significance.